The following is an entry in ClinVar:

NM_014862.4(ARNT2):c.1457T>A (p.Ile486Asn)

Gene: ARNT2 (aryl hydrocarbon receptor nuclear translocator 2; plus strand). Cytogenetic location: 15q25.1.
Variant type: single nucleotide variant.
Coding change: c.1457T>A on transcript NM_014862.4 (MANE Select); coding-DNA position 1457, T replaced by A.
Protein change: p.Ile486Asn; replaces isoleucine 486 with asparagine.
Molecular consequence: missense variant.
Genome position (GRCh38, 1-based): chr15:80,575,054, T>A. VCF-style: chr15-80575054-T-A. GRCh37 (hg19) VCF-style: chr15-80867395-T-A.
Other names: short protein forms I486N.
Identifiers: ClinVar variation 1383022 (VCV001383022.6), dbSNP rs1300429221, ClinGen allele CA393623624.
Genomic context (GRCh38, chr15:80,575,054, plus strand): 5'-TCCCCAACCTACCAGCCGGTGTTCATGAGGCCGGGAAGTCCGTGGAAAAGGCGGATGCAA[T>A]CTTCTCCCAGGAAAGAGATCCTCGGTTTGCTGAAATGTTTGCAGGAATTAGTGCATGTAA-3'
Protein context (NP_055677.3, residues 476-496): AGKSVEKADA[Ile486Asn]FSQERDPRFA

ClinVar aggregate classification (germline): Uncertain significance (1 of 4 stars; one submission).

Allele frequency attached by ClinVar (database versions not stated): TOPMed below 0.00001; gnomAD 0.00001.
gnomAD v4.1: 3 of 1,614,068 alleles (0.00019%); highest among the groups gnomAD compares: Non-Finnish European, 0.00017%; no homozygotes.

Submission:

Labcorp Genetics (formerly Invitae), Labcorp
Classification: Uncertain significance. Last evaluated: 2022-08-15. Review status: criteria provided, single submitter. Criteria: Invitae Variant Classification Sherloc (09022015). Collection method: clinical testing. Allele origin: germline.
Comment: In summary, the available evidence is currently insufficient to determine the role of this variant in disease. Therefore, it has been classified as a Variant of Uncertain Significance. Algorithms developed to predict the effect of missense changes on protein structure and function are either unavailable or do not agree on the potential impact of this missense change (SIFT: "Deleterious"; PolyPhen-2: "Possibly Damaging"; Align-GVGD: "Class C0"). ClinVar contains an entry for this variant (Variation ID: 1383022). This variant has not been reported in the literature in individuals affected with ARNT2-related conditions. This variant is not present in population databases (gnomAD no frequency). This sequence change replaces isoleucine, which is neutral and non-polar, with asparagine, which is neutral and polar, at codon 486 of the ARNT2 protein (p.Ile486Asn).